The following is an entry in ClinVar:

ClinVar aggregate classification (germline): Uncertain significance (1 of 4 stars; one submission).

Conditions:
Hereditary cancer-predisposing syndrome. Also called: Neoplastic Syndromes, Hereditary; Tumor predisposition; Hereditary Cancer Syndrome; Hereditary neoplastic syndrome. Identifiers: Orphanet 140162, MedGen C0027672, MeSH D009386, MONDO:0015356.

Submission:

Color Diagnostics, LLC DBA Color Health
Classification: Uncertain significance for Hereditary cancer-predisposing syndrome. Last evaluated: 2023-05-24. Review status: criteria provided, single submitter. Criteria: ACMG Guidelines, 2015. Collection method: clinical testing. Allele origin: germline.
Comment: This missense variant replaces alanine with threonine at codon 502 of the BAP1 protein. Computational prediction suggests that this variant may not impact protein structure and function (internally defined REVEL score threshold <= 0.5, PMID: 27666373). To our knowledge, functional studies have not been reported for this variant. This variant has not been reported in individuals affected with BAP1-related disorders in the literature. This variant has not been identified in the general population by the Genome Aggregation Database (gnomAD). The available evidence is insufficient to determine the role of this variant in disease conclusively. Therefore, this variant is classified as a Variant of Uncertain Significance.

NM_004656.4(BAP1):c.1504G>A (p.Ala502Thr)

Gene: BAP1 (BRCA1 associated deubiquitinase 1; minus strand). Cytogenetic location: 3p21.1.
Variant type: single nucleotide variant.
Coding change: c.1504G>A on transcript NM_004656.4 (MANE Select); coding-DNA position 1504, G replaced by A.
Protein change: p.Ala502Thr; replaces alanine 502 with threonine.
Molecular consequence: missense variant.
Genome position (GRCh38, 1-based): chr3:52,403,641, C>T on the plus strand (G>A on the coding strand, the complement: BAP1 is on the minus strand). VCF-style: chr3-52403641-C-T. GRCh37 (hg19) VCF-style: chr3-52437657-C-T.
Other names: c.1450G>A, p.Ala484Thr (NM_001410772.1); short protein forms A502T, A484T.
Identifiers: ClinVar variation 2774746 (VCV002774746.2), dbSNP rs2471328591, ClinGen allele CA353100938.
Genomic context (GRCh38, chr3:52,403,641, plus strand): 5'-GGCTGGAGGGCCGCGTCGGGTTGGCTGAGCGGATAGGCGAGCGCAGTGGCGAGTTGAAAG[C>T]ACTGCCGATCTCAGAGGCCGTGTCTGTACTCTCATTGCTGGGGGTGGGTGAGGGCTGCGA-3'
Protein context (NP_004647.1, residues 492-512): STDTASEIGS[Ala502Thr]FNSPLRSPIR